The following is an entry in ClinVar:

NM_018389.5(SLC35C1):c.*1158C>T

Gene: SLC35C1 (solute carrier family 35 member C1; plus strand). Cytogenetic location: 11p11.2.
Variant type: single nucleotide variant.
Coding change: c.*1158C>T on transcript NM_018389.5 (MANE Select); 1158 bases downstream of the stop codon, C replaced by T.
Molecular consequence: 3 prime UTR variant.
Genome position (GRCh38, 1-based): chr11:45,812,493, C>T. VCF-style: chr11-45812493-C-T. GRCh37 (hg19) VCF-style: chr11-45834044-C-T.
Other names: c.*1158C>T (NM_001145265.2, NM_001145266.2).
Identifiers: ClinVar variation 304757 (VCV000304757.6), dbSNP rs4756027, ClinGen allele CA10630926.
Genomic context (GRCh38, chr11:45,812,493, plus strand): 5'-AGGCCGGGTGGCTTACAAACAACAGAAACGTATTGCTCACAGTCCTGGGGGGCTGGGACG[C>T]CCAAGATCAAGAGGCCAGCAGATTCGGACTCCGCTGAGGGCTGTTTCCCGATCCATAGAT-3'

ClinVar aggregate classification (germline): Benign. Review status: criteria provided, multiple submitters, no conflicts (2 of 4 stars). 2 submissions from 2 submitters: Benign (2). Last evaluated 2018-01-13.

Conditions:
Leukocyte adhesion deficiency type II. Also called: CONGENITAL DISORDER OF GLYCOSYLATION, TYPE IIc; CDG IIc; Congenital disorder of glycosylation type 2C; CDG 2C; Leukocyte adhesion deficiency type 2; Rambam Hasharon syndrome. Identifiers: Orphanet 2968, Orphanet 99843, MedGen C0398739, MONDO:0009953, OMIM 266265.

Allele frequency attached by ClinVar (database versions not stated): 1000 Genomes Project 0.72065; 1000 Genomes Project 30x 0.73095; gnomAD exomes 0.83555; TOPMed 0.83668; gnomAD 0.83789 and 0.84749.
gnomAD v4.1: 380,519 of 454,790 alleles (84%); highest among the groups gnomAD compares: Non-Finnish European, 89%; 161,763 homozygotes.

Submissions (2):

Illumina Laboratory Services, Illumina
Classification: Benign for Leukocyte adhesion deficiency type II. Last evaluated: 2018-01-13. Review status: criteria provided, single submitter. Criteria: ICSL Variant Classification Criteria 13 December 2019. Collection method: clinical testing. Allele origin: germline.
Comment: This variant was observed in the ICSL laboratory as part of a predisposition screen in an ostensibly healthy population. It had not been previously curated by ICSL or reported in the Human Gene Mutation Database (HGMD: prior to June 1st, 2018), and was therefore a candidate for classification through an automated scoring system. Utilizing variant allele frequency, disease prevalence and penetrance estimates, and inheritance mode, an automated score was calculated to assess if this variant is too frequent to cause the disease. Based on the score and internal cut-off values, a variant classified as benign is not then subjected to further curation. The score for this variant resulted in a classification of benign for this disease.

Breakthrough Genomics
Classification: Benign. Review status: criteria provided, single submitter. Criteria: ACMG Guidelines, 2015. Collection method: not provided. Allele origin: germline. Inheritance: Autosomal recessive inheritance. Affected: yes.